The following is an entry in ClinVar:

NM_025145.7(CFAP43):c.2861G>A (p.Arg954His)

Gene: CFAP43 (cilia and flagella associated protein 43; minus strand). Cytogenetic location: 10q25.1.
Variant type: single nucleotide variant.
Coding change: c.2861G>A on transcript NM_025145.7 (MANE Select); coding-DNA position 2861, G replaced by A.
Protein change: p.Arg954His; replaces arginine 954 with histidine.
Molecular consequence: missense variant.
Genome position (GRCh38, 1-based): chr10:104,166,666, C>T on the plus strand (G>A on the coding strand, the complement: CFAP43 is on the minus strand). VCF-style: chr10-104166666-C-T. GRCh37 (hg19) VCF-style: chr10-105926424-C-T.
Other names: c.2861G>A (NM_025145.6); short protein forms R954H.
Identifiers: ClinVar variation 3143465 (VCV003143465.2), dbSNP rs149358391, ClinGen allele CA5680452.

ClinVar aggregate classification (germline): Likely benign. Review status: criteria provided, multiple submitters, no conflicts (2 of 4 stars). 2 submissions from 2 submitters: Likely benign (2). Last evaluated 2026-06-24.

Conditions:
CFAP43-related disorder. Also called: CFAP43-related condition.

Allele frequency attached by ClinVar (database versions not stated): gnomAD exomes 0.00014; ExAC 0.00032; 1000 Genomes Project 0.00060; 1000 Genomes Project 30x 0.00062; ESP Exome Variant Server 0.00092; gnomAD 0.00097; TOPMed 0.00105.
gnomAD v4.1: 375 of 1,613,994 alleles (0.023%); highest among the groups gnomAD compares: African/African-American, 0.31%; no homozygotes.

Submissions (2):

PreventionGenetics, part of Exact Sciences
Classification: Likely benign for CFAP43-related condition. Last evaluated: 2026-06-24. Review status: criteria provided, single submitter. Criteria: ACMG Guidelines, 2015. Collection method: clinical testing. Allele origin: germline.
Comment: This variant is classified as likely benign based on ACMG/AMP sequence variant interpretation guidelines (Richards et al. 2015 PMID: 25741868, with internal and published modifications).

Ambry Genetics
Classification: Likely benign. Last evaluated: 2023-12-19. Review status: criteria provided, single submitter. Criteria: Ambry Variant Classification Scheme 2023. Collection method: clinical testing. Allele origin: germline.